The following is an entry in ClinVar:

NM_000213.5(ITGB4):c.708C>T (p.Phe236=)

Gene: ITGB4 (integrin subunit beta 4; plus strand). Cytogenetic location: 17q25.1.
Variant type: single nucleotide variant.
Coding change: c.708C>T on transcript NM_000213.5 (MANE Select); coding-DNA position 708, C replaced by T.
Protein change: p.Phe236=; no amino-acid change (phenylalanine 236 retained).
Molecular consequence: synonymous variant.
Genome position (GRCh38, 1-based): chr17:75,729,406, C>T. VCF-style: chr17-75729406-C-T. GRCh37 (hg19) VCF-style: chr17-73725487-C-T.
Other names: c.708C>T, p.Phe236= (NM_001005619.2, NM_001005731.3, NM_001321123.2).
Identifiers: ClinVar variation 325125 (VCV000325125.14), dbSNP rs146923910, ClinGen allele CA8768748.

ClinVar aggregate classification (germline): Conflicting classifications of pathogenicity. Review status: criteria provided, conflicting classifications (1 of 4 stars). 3 submissions from 3 submitters: Uncertain significance (1); Likely benign (1). 1 of the submissions does not count toward it. Last evaluated 2025-09-17.

Conditions:
ITGB4-related disorder. Also called: ITGB4-related condition.
Junctional epidermolysis bullosa with pyloric atresia. Also called: ITGB4-Related Epidermolysis Bullosa with Pyloric Atresia; ITGA6-Related Epidermolysis Bullosa with Pyloric Atresia; EPIDERMOLYSIS BULLOSA, JUNCTIONAL 5B, WITH PYLORIC ATRESIA; APLASIA CUTIS CONGENITA WITH GASTROINTESTINAL ATRESIA; CARMI SYNDROME; EB-PA-ACC. Identifiers: Orphanet 79403, MedGen C5676875, MONDO:0009183, OMIM 226730.

Allele frequency attached by ClinVar (database versions not stated): gnomAD exomes 0.00002 and 0.00006; ExAC 0.00008; 1000 Genomes Project 30x 0.00016; gnomAD 0.00019; 1000 Genomes Project 0.00020; ESP Exome Variant Server 0.00023; TOPMed 0.00023.

Submissions (3):

Labcorp Genetics (formerly Invitae), Labcorp
Classification: Likely benign. Last evaluated: 2025-09-17. Review status: criteria provided, single submitter. Criteria: Invitae Variant Classification Sherloc (09022015). Collection method: clinical testing. Allele origin: germline.

Illumina Laboratory Services, Illumina
Classification: Uncertain significance for Junctional epidermolysis bullosa with pyloric atresia. Last evaluated: 2018-01-13. Review status: criteria provided, single submitter. Criteria: ICSL Variant Classification Criteria 13 December 2019. Collection method: clinical testing. Allele origin: germline.

PreventionGenetics, part of Exact Sciences
Classification: Likely benign for ITGB4-related condition. Last evaluated: 2022-10-17. Review status: no assertion criteria provided. Collection method: clinical testing. Allele origin: germline. Not counted in ClinVar's aggregate classification.
Comment: This variant is classified as likely benign based on ACMG/AMP sequence variant interpretation guidelines (Richards et al. 2015 PMID: 25741868, with internal and published modifications).